The following is an entry in ClinVar:

ClinVar aggregate classification (germline): Uncertain significance. Review status: criteria provided, multiple submitters, no conflicts (2 of 4 stars). 2 submissions from 2 submitters: Uncertain significance (2). Last evaluated 2026-04-03.

Conditions:
Tuberous sclerosis 2 (TSC2). Identifiers: Orphanet 805, MedGen C1860707, MONDO:0013199, OMIM 613254.
Hereditary cancer-predisposing syndrome. Also called: Tumor predisposition; Hereditary Cancer Syndrome; Neoplastic Syndromes, Hereditary; Hereditary neoplastic syndrome. Identifiers: Orphanet 140162, MedGen C0027672, MeSH D009386, MONDO:0015356.

Submissions (2):

Ambry Genetics
Classification: Uncertain significance for Hereditary cancer-predisposing syndrome. Last evaluated: 2026-04-03. Review status: criteria provided, single submitter. Criteria: Ambry Variant Classification Scheme 2023. Collection method: clinical testing. Allele origin: germline.
Comment: The p.V217L variant (also known as c.649G>C) is located in coding exon 7 of the TSC2 gene. The valine at codon 217 is replaced by leucine, an amino acid with highly similar properties. This change occurs in the first base pair of coding exon 7. This amino acid position is well conserved in available vertebrate species. In addition, the in silico prediction for this alteration is inconclusive. Based on the available evidence, the clinical significance of this variant remains unclear.

Labcorp Genetics (formerly Invitae), Labcorp
Classification: Uncertain significance for Tuberous sclerosis 2. Last evaluated: 2025-07-14. Review status: criteria provided, single submitter. Criteria: Invitae Variant Classification Sherloc (09022015). Collection method: clinical testing. Allele origin: germline.
Comment: This sequence change replaces valine, which is neutral and non-polar, with leucine, which is neutral and non-polar, at codon 217 of the TSC2 protein (p.Val217Leu). This variant is not present in population databases (gnomAD no frequency). This variant has not been reported in the literature in individuals affected with TSC2-related conditions. ClinVar contains an entry for this variant (Variation ID: 578739). An algorithm developed to predict the effect of missense changes on protein structure and function (PolyPhen-2) suggests that this variant is likely to be tolerated. RNA analysis performed to evaluate the impact of this missense change on mRNA splicing indicates it does not significantly alter splicing (internal data). In summary, the available evidence is currently insufficient to determine the role of this variant in disease. Therefore, it has been classified as a Variant of Uncertain Significance.

NM_000548.5(TSC2):c.649G>C (p.Val217Leu)

Gene: TSC2 (TSC complex subunit 2; plus strand). Cytogenetic location: 16p13.3.
Variant type: single nucleotide variant.
Coding change: c.649G>C on transcript NM_000548.5 (MANE Select); coding-DNA position 649, G replaced by C.
Protein change: p.Val217Leu; replaces valine 217 with leucine.
Molecular consequence: missense variant.
Genome position (GRCh38, 1-based): chr16:2,056,644, G>C. VCF-style: chr16-2056644-G-C. GRCh37 (hg19) VCF-style: chr16-2106645-G-C.
Other names: c.649G>C, p.Val217Leu (NM_001077183.3, NM_001114382.3, NM_001363528.2 and 3 more transcripts); c.538G>C, p.Val180Leu (NM_001318827.2); c.502G>C, p.Val168Leu (NM_001318829.2); c.49G>C, p.Val17Leu (NM_001318831.2); c.682G>C, p.Val228Leu (NM_001318832.2); short protein forms V217L, V168L, V17L, V228L, V180L.
Identifiers: ClinVar variation 578739 (VCV000578739.7), dbSNP rs1567407896, ClinGen allele CA394312287.